The following is an entry in ClinVar:

ClinVar aggregate classification (germline): Uncertain significance (1 of 4 stars; one submission).

Conditions:
Alpha thalassemia-X-linked intellectual disability syndrome (ATRX). Also called: ALPHA-THALASSEMIA/MENTAL RETARDATION SYNDROME, X-LINKED; ATR, NONDELETION TYPE; ATR-X syndrome; Alpha thalassemia mental retardation syndrome, nondeletion type, X-linked; XLMR hypotonic face syndrome; X-linked alpha-thalassemia-mental retardation syndrome. Identifiers: Orphanet 847, MedGen C1845055, MONDO:0010519, OMIM 301040.

Submission:

Neuberg Centre For Genomic Medicine, NCGM
Classification: Uncertain significance for Alpha thalassemia-X-linked intellectual disability syndrome. Review status: criteria provided, single submitter. Criteria: ACMG Guidelines, 2015. Collection method: clinical testing. Allele origin: germline. Inheritance: X-linked dominant inheritance. Affected: yes.
Comment: The observed missense c.4943A>G(p.Asp1648Gly) variant in ATRX gene has not been reported previously as a pathogenic variant nor as a benign variant, to our knowledge. This variant is absent in gnomAD Exomes. The amino acid Asp at position 1648 is changed to a Gly changing protein sequence and it might alter its composition and physico-chemical properties. The amino acid change p.Asp1648Gly in ATRX is predicted as conserved by GERP++ and PhyloP across 100 vertebrates. For these reasons, this variant has been classified as Uncertain Significance.

NM_000489.6(ATRX):c.4943A>G (p.Asp1648Gly)

Gene: ATRX (ATRX chromatin remodeler; minus strand). Cytogenetic location: Xq21.1.
Variant type: single nucleotide variant.
Coding change: c.4943A>G on transcript NM_000489.6 (MANE Select); coding-DNA position 4943, A replaced by G.
Protein change: p.Asp1648Gly; replaces aspartic acid 1648 with glycine.
Molecular consequence: missense variant.
Genome position (GRCh38, 1-based): chrX:77,633,579, T>C on the plus strand (A>G on the coding strand, the complement: ATRX is on the minus strand). VCF-style: chrX-77633579-T-C. GRCh37 (hg19) VCF-style: chrX-76889067-T-C.
Other names: c.4829A>G, p.Asp1610Gly (NM_138270.5); short protein forms D1610G, D1648G.
Identifiers: ClinVar variation 3250443 (VCV003250443.1), dbSNP rs2148341197.